The following is an entry in ClinVar:

NM_138927.4(SON):c.5070G>C (p.Gln1690His)

Gene: SON (SON DNA and RNA binding protein; plus strand). Cytogenetic location: 21q22.11.
Variant type: single nucleotide variant.
Coding change: c.5070G>C on transcript NM_138927.4 (MANE Select); coding-DNA position 5070, G replaced by C.
Protein change: p.Gln1690His; replaces glutamine 1690 with histidine.
Molecular consequence: missense variant. On other transcripts: non-coding transcript variant (1), intron variant (1).
Genome position (GRCh38, 1-based): chr21:33,554,301, G>C. VCF-style: chr21-33554301-G-C. GRCh37 (hg19) VCF-style: chr21-34926607-G-C.
Other names: c.5070G>C, p.Gln1690His (NM_001291411.2, NM_001412133.1, NM_032195.3 and 2 more transcripts); c.245-2855G>C (NM_001291412.3); short protein forms Q1690H.
Identifiers: ClinVar variation 2498895 (VCV002498895.28), dbSNP rs2517387294, ClinGen allele CA410163993.

ClinVar aggregate classification (germline): Uncertain significance (1 of 4 stars; one submission).

Submission:

CeGaT Center for Human Genetics Tuebingen
Classification: Uncertain significance. Last evaluated: 2023-01-01. Review status: criteria provided, single submitter. Criteria: CeGaT Center For Human Genetics Tuebingen Variant Classification Criteria Version 2. Collection method: clinical testing. Allele origin: germline. Affected: yes. Observed: 1 variant allele.
Comment: SON: PM2, BP4